The following is an entry in ClinVar:

NM_000077.5(CDKN2A):c.202G>T (p.Ala68Ser)

Gene: CDKN2A (cyclin dependent kinase inhibitor 2A; minus strand). Cytogenetic location: 9p21.3.
Variant type: single nucleotide variant.
Coding change: c.202G>T on transcript NM_000077.5; coding-DNA position 202, G replaced by T.
Protein change: p.Ala68Ser; replaces alanine 68 with serine.
Molecular consequence: missense variant (on NM_000077.6). On other transcripts: 3 prime UTR variant (1).
Genome position (GRCh38, 1-based): chr9:21,971,157, C>A on the plus strand (G>T on the coding strand, the complement: CDKN2A is on the minus strand). VCF-style: chr9-21971157-C-A. GRCh37 (hg19) VCF-style: chr9-21971156-C-A.
Other names: c.202G>T, p.Ala68Ser (NM_000077.6, NM_001195132.2); c.49G>T, p.Ala17Ser (NM_001363763.2); c.245G>T, p.Arg82Leu (NM_058195.4); c.*125G>T (NM_058197.5); short protein forms A68S, A17S, R82L.
Identifiers: ClinVar variation 1355040 (VCV001355040.10), dbSNP rs1819719137, ClinGen allele CA373086341.

ClinVar aggregate classification (germline): Uncertain significance. Review status: criteria provided, multiple submitters, no conflicts (2 of 4 stars). 2 submissions from 2 submitters: Uncertain significance (2). Last evaluated 2023-03-24.

Conditions:
Familial melanoma. Also called: Hereditary melanoma; Hereditary cutaneous melanoma. Identifiers: Orphanet 618, MedGen C1512419, MONDO:0018961.
Hereditary cancer-predisposing syndrome. Also called: Hereditary neoplastic syndrome; Hereditary Cancer Syndrome; Tumor predisposition; Neoplastic Syndromes, Hereditary. Identifiers: Orphanet 140162, MedGen C0027672, MeSH D009386, MONDO:0015356.

Submissions (2):

Labcorp Genetics (formerly Invitae), Labcorp
Classification: Uncertain significance for Familial melanoma. Last evaluated: 2023-03-24. Review status: criteria provided, single submitter. Criteria: Invitae Variant Classification Sherloc (09022015). Collection method: clinical testing. Allele origin: germline.
Comment: This variant has not been reported in the literature in individuals affected with CDKN2A (p16INK4a)-related conditions. This variant is not present in population databases (gnomAD no frequency). This sequence change replaces alanine, which is neutral and non-polar, with serine, which is neutral and polar, at codon 68 of the CDKN2A (p16INK4a) protein (p.Ala68Ser). The CDKN2A gene encodes two different proteins, p16INK4a and p14ARF, which are translated from alternative transcripts with different open reading frames. Both transcripts have been analyzed. We report either the variant with the higher classification or default to the CDKN2A (p16INK4a) variant. This report therefore includes the details for the CDKN2A (p16INK4a) variant. This variant is also known as c.245G>T (p.Arg82Leu) in the CDKN2A (p14ARF) transcript. In summary, the available evidence is currently insufficient to determine the role of this variant in disease. Therefore, it has been classified as a Variant of Uncertain Significance. This variant disrupts the p.Ala68 amino acid residue in CDKN2A (p16INK4a). Other variant(s) that disrupt this residue have been determined to be pathogenic (PMID: 9425228, 11518711, 19260062, 20340136, 21462282). This suggests that this residue is clinically significant, and that variants that disrupt this residue are likely to be disease-causing. An algorithm developed to predict the effect of missense changes on protein structure and function (PolyPhen-2) suggests that this variant is likely to be disruptive. ClinVar contains an entry for this variant (Variation ID: 1355040).

Ambry Genetics
Classification: Uncertain significance for Hereditary cancer-predisposing syndrome. Last evaluated: 2022-09-22. Review status: criteria provided, single submitter. Criteria: Ambry Variant Classification Scheme 2023. Collection method: clinical testing. Allele origin: germline.
Comment: The p.A68S variant (also known as c.202G>T), located in coding exon 2 of the CDKN2A gene, results from a G to T substitution at nucleotide position 202. The alanine at codon 68 is replaced by serine, an amino acid with similar properties. This amino acid position is highly conserved in available vertebrate species. In addition, this alteration is predicted to be deleterious by in silico analysis. Since supporting evidence is limited at this time, the clinical significance of this alteration remains unclear.

Literature cited by the submitters: PubMed 9425228 (cited by Labcorp Genetics (formerly Invitae), Labcorp); PubMed 11518711 (cited by Labcorp Genetics (formerly Invitae), Labcorp); PubMed 19260062 (cited by Labcorp Genetics (formerly Invitae), Labcorp); PubMed 20340136 (cited by Labcorp Genetics (formerly Invitae), Labcorp); PubMed 21462282 (cited by Labcorp Genetics (formerly Invitae), Labcorp).